The following is an entry in ClinVar:

NM_001277115.2(DNAH11):c.692+4C>T

Gene: DNAH11 (dynein axonemal heavy chain 11; plus strand). Cytogenetic location: 7p15.3.
Variant type: single nucleotide variant.
Coding change: c.692+4C>T on transcript NM_001277115.2 (MANE Select); 4 bases into the intron after coding-DNA position 692, C replaced by T.
Molecular consequence: intron variant.
Genome position (GRCh38, 1-based): chr7:21,559,002, C>T. VCF-style: chr7-21559002-C-T. GRCh37 (hg19) VCF-style: chr7-21598620-C-T.
Identifiers: ClinVar variation 1756172 (VCV001756172.2), dbSNP rs762352605, ClinGen allele CA4178739.

ClinVar aggregate classification (germline): Uncertain significance (1 of 4 stars; one submission).

Conditions:
Primary ciliary dyskinesia. Also called: Ciliary dyskinesia. Identifiers: Orphanet 244, MedGen C0008780, MONDO:0016575, HP:0012265.

Allele frequency attached by ClinVar (database versions not stated): gnomAD 0.00003; TOPMed 0.00007.
gnomAD v4.1: 17 of 1,563,940 alleles (0.0011%); highest among the groups gnomAD compares: African/African-American, 0.0095%; no homozygotes.

Submission:

Ambry Genetics
Classification: Uncertain significance for Primary ciliary dyskinesia. Last evaluated: 2015-08-07. Review status: criteria provided, single submitter. Criteria: Ambry Variant Classification Scheme 2023. Collection method: clinical testing. Allele origin: germline.
Comment: The c.692+4C>T intronic variant results from a C to T substitution 4 nucleotides after coding exon 3 in the DNAH11 gene. This variant was not reported in population based cohorts in the following databases: Database of Single Nucleotide Polymorphisms (dbSNP), NHLBI Exome Sequencing Project (ESP), and 1000 Genomes Project. In the ESP, this variant was not observed in 6013 samples (12026 alleles) with coverage at this position. This nucleotide position is poorly conserved in available vertebrate species. Using the BDGP and ESEfinder splice site prediction tools, this alteration is not predicted to have any significant effect on this donor splice site; however, direct evidence is unavailable. Since supporting evidence is limited at this time, the clinical significance of this variant remains unclear.